The following is an entry in ClinVar:

NM_002693.3(POLG):c.2266-3C>T

Gene: POLG (DNA polymerase gamma, catalytic subunit; minus strand). Cytogenetic location: 15q26.1.
Variant type: single nucleotide variant.
Coding change: c.2266-3C>T on transcript NM_002693.3 (MANE Select); 3 bases into the intron before coding-DNA position 2266, C replaced by T.
Molecular consequence: intron variant.
Genome position (GRCh38, 1-based): chr15:89,322,905, G>A on the plus strand (C>T on the coding strand, the complement: POLG is on the minus strand). VCF-style: chr15-89322905-G-A. GRCh37 (hg19) VCF-style: chr15-89866136-G-A.
Other names: c.2266-3C>T (NM_001126131.2).
Identifiers: ClinVar variation 944499 (VCV000944499.8), dbSNP rs777809569, ClinGen allele CA7724508.
Genomic context (GRCh38, chr15:89,322,905, plus strand): 5'-CCATCTTGGGCAGGAAGTCCTTGGCAAAGGGGCTTCCCACATTACAGCTATTACCATCCT[G>A]GACAGAGCAAAGGAAGCAGGGGCTGGAGGCAGGTGGCAGACCCCTGGGTGGGGAACCAAC-3'

ClinVar aggregate classification (germline): Uncertain significance (1 of 4 stars; one submission).

Conditions:
Progressive sclerosing poliodystrophy (MTDPS4A). Also called: NEURONAL DEGENERATION OF CHILDHOOD WITH LIVER DISEASE, PROGRESSIVE; ALPERS PROGRESSIVE INFANTILE POLIODYSTROPHY; Mitochondrial DNA Depletion Syndrome 4A; Alpers-Huttenlocher Syndrome (AHS); Alpers Syndrome; ALPERS DIFFUSE DEGENERATION OF CEREBRAL GRAY MATTER WITH HEPATIC CIRRHOSIS. Identifiers: Orphanet 726, MedGen C0205710, MONDO:0008758, OMIM 203700.

Allele frequency attached by ClinVar (database versions not stated): gnomAD exomes below 0.00001 and 0.00001; ExAC 0.00001; gnomAD 0.00001.
gnomAD v4.1: 5 of 1,611,916 alleles (0.00031%); highest among the groups gnomAD compares: South Asian, 0.0033%; no homozygotes.

Submission:

Labcorp Genetics (formerly Invitae), Labcorp
Classification: Uncertain significance for Progressive sclerosing poliodystrophy. Last evaluated: 2023-12-25. Review status: criteria provided, single submitter. Criteria: Invitae Variant Classification Sherloc (09022015). Collection method: clinical testing. Allele origin: germline.
Comment: This sequence change falls in intron 13 of the POLG gene. It does not directly change the encoded amino acid sequence of the POLG protein. It affects a nucleotide within the consensus splice site. This variant is present in population databases (rs777809569, gnomAD 0.006%). This variant has not been reported in the literature in individuals affected with POLG-related conditions. ClinVar contains an entry for this variant (Variation ID: 944499). Variants that disrupt the consensus splice site are a relatively common cause of aberrant splicing (PMID: 17576681, 9536098). Algorithms developed to predict the effect of sequence changes on RNA splicing suggest that this variant is not likely to affect RNA splicing. In summary, the available evidence is currently insufficient to determine the role of this variant in disease. Therefore, it has been classified as a Variant of Uncertain Significance.

Literature cited by the submitters: PubMed 17576681; PubMed 9536098.